The following is an entry in ClinVar:

NM_016630.7(SPG21):c.226-7_226-5del

Gene: SPG21 (SPG21 abhydrolase domain containing, maspardin; minus strand). Cytogenetic location: 15q22.31.
Variant type: Microsatellite.
Coding change: c.226-7_226-5del on transcript NM_016630.7 (MANE Select); 7 bases into the intron before coding-DNA position 226 through 5 bases into the intron before coding-DNA position 226, 3 bases deleted (ATT; older notation c.226-7_226-5delATT).
Molecular consequence: intron variant.
Genome position (GRCh38, 1-based): chr15:64,976,560-64,976,562, AAT deleted on the plus strand (ATT on the coding strand, the reverse complement: SPG21 is on the minus strand); deleting any 3 consecutive bases within chr15:64,976,560-64,976,567 gives the same sequence; the c. name uses the placement nearest the transcript's 3' end. VCF-style (leftmost placement, unchanged base first): chr15-64976559-AAAT-A. GRCh37 (hg19) VCF-style: chr15-65268897-AAAT-A.
Other names: c.226-1815_226-1813del (NM_001127890.5); c.226-7_226-5del (NM_001127889.5).
Identifiers: ClinVar variation 5041641 (VCV005041641.1).

ClinVar aggregate classification (germline): Uncertain significance (1 of 4 stars; one submission).

Submission:

CeGaT Center for Human Genetics Tuebingen
Classification: Uncertain significance. Last evaluated: 2026-09-01. Review status: criteria provided, single submitter. Criteria: CeGaT Center For Human Genetics Tuebingen Variant Classification Criteria Version 2. Collection method: clinical testing. Allele origin: germline. Affected: yes. Observed: 1 variant allele.
Comment: SPG21: PM2, BP4